The following is an entry in ClinVar:

NM_130839.5(UBE3A):c.2592G>A (p.Thr864=)

Genes: SNHG14 (small nucleolar RNA host gene 14; plus strand), UBE3A (ubiquitin protein ligase E3A; minus strand). Cytogenetic location: 15q11.2.
Variant type: single nucleotide variant.
Coding change: c.2592G>A on transcript NM_130839.5 (MANE Select); coding-DNA position 2592, G replaced by A.
Protein change: p.Thr864=; no amino-acid change (threonine 864 retained).
Molecular consequence: synonymous variant. On other transcripts: non-coding transcript variant (1).
Genome position (GRCh38, 1-based): chr15:25,339,164, C>T on the plus strand (G>A on the coding strand, the complement: UBE3A is on the minus strand). VCF-style: chr15-25339164-C-T. GRCh37 (hg19) VCF-style: chr15-25584311-C-T.
Other names: c.2601G>A, p.Thr867= (NM_000462.5); c.2592G>A, p.Thr864= (NM_001354505.1, NM_001354538.2); c.2532G>A, p.Thr844= (NM_001354506.2, NM_001354507.2, NM_001354508.2 and 14 more transcripts); c.2436G>A, p.Thr812= (NM_001354545.2); c.2415G>A, p.Thr805= (NM_001354546.2); c.2376G>A, p.Thr792= (NM_001354547.2, NM_001354548.2); c.2367G>A, p.Thr789= (NM_001354549.2); c.1341G>A, p.Thr447= (NM_001354550.2); and 1 more.
Identifiers: ClinVar variation 378845 (VCV000378845.27), dbSNP rs377110924, ClinGen allele CA7435338.

ClinVar aggregate classification (germline): Benign/Likely benign. Review status: criteria provided, multiple submitters, no conflicts (2 of 4 stars). 3 submissions from 3 submitters: Benign (1); Likely benign (2). Last evaluated 2025-05-19.

Conditions:
Angelman syndrome (AS). Also called: HAPPY PUPPET SYNDROME. Identifiers: Orphanet 72, MedGen C0162635, MONDO:0007113, OMIM 105830. Disease mechanism: loss of function. Inheritance: imprinting disorder, AS is caused by disruption of maternally imprinted UBE3A located within the 15q11.2-q13 Angelman syndrome/Prader-Willi syndrome (AS/PWS) region..

Allele frequency attached by ClinVar (database versions not stated): gnomAD 0.00007; ESP Exome Variant Server 0.00008; TOPMed 0.00011.
gnomAD v4.1: 37 of 1,607,026 alleles (0.0023%); highest among the groups gnomAD compares: Middle Eastern, 0.035%; no homozygotes.

Submissions (3):

Labcorp Genetics (formerly Invitae), Labcorp
Classification: Likely benign for Angelman syndrome. Last evaluated: 2025-05-19. Review status: criteria provided, single submitter. Criteria: Invitae Variant Classification Sherloc (09022015). Collection method: clinical testing. Allele origin: germline.

CeGaT Center for Human Genetics Tuebingen
Classification: Likely benign. Last evaluated: 2024-06-01. Review status: criteria provided, single submitter. Criteria: CeGaT Center For Human Genetics Tuebingen Variant Classification Criteria Version 2. Collection method: clinical testing. Allele origin: germline. Affected: yes. Observed: 1 variant allele.
Comment: UBE3A: BP4, BP7

GeneDx
Classification: Benign. Last evaluated: 2015-06-30. Review status: criteria provided, single submitter. Criteria: GeneDx Variant Classification (06012015). Collection method: clinical testing. Allele origin: germline. Affected: yes.
Comment: This variant is considered likely benign or benign based on one or more of the following criteria: it is a conservative change, it occurs at a poorly conserved position in the protein, it is predicted to be benign by multiple in silico algorithms, and/or has population frequency not consistent with disease.